The following is an entry in ClinVar:

ClinVar aggregate classification (germline): Benign (1 of 4 stars; one submission).

Conditions:
Hereditary diffuse gastric adenocarcinoma (HDGC). Also called: DIFFUSE GASTRIC AND LOBULAR BREAST CANCER SYNDROME. Identifiers: Orphanet 26106, MedGen C1708349, MONDO:0007648, OMIM 137215.

Submission:

Myriad Genetics, Inc.
Classification: Benign for Hereditary diffuse gastric adenocarcinoma. Last evaluated: 2024-09-25. Review status: criteria provided, single submitter. Criteria: Myriad Autosomal Dominant, Autosomal Recessive and X-Linked Classification Criteria (2023). Collection method: clinical testing. Allele origin: unknown.
Comment: This variant is considered benign. This variant occurs in the non-coding 3' untranslated region of the gene, and is not expected to impact protein function.

NM_004360.5(CDH1):c.*1G>C

Gene: CDH1 (cadherin 1; plus strand). Cytogenetic location: 16q22.1.
Variant type: single nucleotide variant.
Coding change: c.*1G>C on transcript NM_004360.5 (MANE Select); 1 bases downstream of the stop codon, G replaced by C.
Molecular consequence: 3 prime UTR variant.
Genome position (GRCh38, 1-based): chr16:68,833,500, G>C. VCF-style: chr16-68833500-G-C. GRCh37 (hg19) VCF-style: chr16-68867403-G-C.
Other names: c.*1G>C (NM_001317184.2, NM_001317185.2, NM_001317186.2).
Identifiers: ClinVar variation 3378765 (VCV003378765.1).